The following is an entry in ClinVar:

ClinVar aggregate classification (germline): Uncertain significance. Review status: criteria provided, multiple submitters, no conflicts (2 of 4 stars). 2 submissions from 2 submitters: Uncertain significance (2). Last evaluated 2025-05-21.

Conditions:
Charcot-Marie-Tooth disease type 2E (CMT2E). Also called: CHARCOT-MARIE-TOOTH DISEASE, AXONAL, TYPE 2E; CHARCOT-MARIE-TOOTH NEUROPATHY, TYPE 2E. Identifiers: Orphanet 99939, MedGen C1843225, MONDO:0011894, OMIM 607684.

Allele frequency attached by ClinVar (database versions not stated): gnomAD exomes below 0.00001; TOPMed below 0.00001; gnomAD 0.00001.

Submissions (2):

Labcorp Genetics (formerly Invitae), Labcorp
Classification: Uncertain significance for Charcot-Marie-Tooth disease type 2E. Last evaluated: 2025-05-21. Review status: criteria provided, single submitter. Criteria: Invitae Variant Classification Sherloc (09022015). Collection method: clinical testing. Allele origin: germline.
Comment: This sequence change replaces arginine, which is basic and polar, with cysteine, which is neutral and slightly polar, at codon 212 of the NEFL protein (p.Arg212Cys). This variant is not present in population databases (gnomAD no frequency). This variant has not been reported in the literature in individuals affected with NEFL-related conditions. ClinVar contains an entry for this variant (Variation ID: 1810615). Invitae Evidence Modeling of protein sequence and biophysical properties (such as structural, functional, and spatial information, amino acid conservation, physicochemical variation, residue mobility, and thermodynamic stability) has been performed for this missense variant. However, the output from this modeling did not meet the statistical confidence thresholds required to predict the impact of this variant on NEFL protein function. In summary, the available evidence is currently insufficient to determine the role of this variant in disease. Therefore, it has been classified as a Variant of Uncertain Significance.

GeneDx
Classification: Uncertain significance. Last evaluated: 2022-07-05. Review status: criteria provided, single submitter. Criteria: GeneDx Variant Classification Process June 2021. Collection method: clinical testing. Allele origin: germline. Affected: yes.
Comment: Not observed at significant frequency in large population cohorts (gnomAD); In silico analysis supports that this missense variant has a deleterious effect on protein structure/function; Has not been previously published as pathogenic or benign to our knowledge

NM_006158.5(NEFL):c.634C>T (p.Arg212Cys)

Gene: NEFL (neurofilament light chain; minus strand). Cytogenetic location: 8p21.2.
Variant type: single nucleotide variant.
Coding change: c.634C>T on transcript NM_006158.5 (MANE Select); coding-DNA position 634, C replaced by T.
Protein change: p.Arg212Cys; replaces arginine 212 with cysteine.
Molecular consequence: missense variant.
Genome position (GRCh38, 1-based): chr8:24,955,882, G>A on the plus strand (C>T on the coding strand, the complement: NEFL is on the minus strand). VCF-style: chr8-24955882-G-A. GRCh37 (hg19) VCF-style: chr8-24813396-G-A.
Other names: short protein forms R212C.
Identifiers: ClinVar variation 1810615 (VCV001810615.2), dbSNP rs1246614827, ClinGen allele CA370621973.